The following is an entry in ClinVar:

NM_000744.7(CHRNA4):c.1741G>A (p.Glu581Lys)

Gene: CHRNA4 (cholinergic receptor nicotinic alpha 4 subunit; minus strand). Cytogenetic location: 20q13.33.
Variant type: single nucleotide variant.
Coding change: c.1741G>A on transcript NM_000744.7 (MANE Select); coding-DNA position 1741, G replaced by A.
Protein change: p.Glu581Lys; replaces glutamic acid 581 with lysine.
Molecular consequence: missense variant. On other transcripts: non-coding transcript variant (1).
Genome position (GRCh38, 1-based): chr20:63,349,670, C>T on the plus strand (G>A on the coding strand, the complement: CHRNA4 is on the minus strand). VCF-style: chr20-63349670-C-T. GRCh37 (hg19) VCF-style: chr20-61981022-C-T.
Other names: c.1213G>A, p.Glu405Lys (NM_001256573.2); short protein forms E405K, E581K.
Identifiers: ClinVar variation 1033118 (VCV001033118.9), dbSNP rs752289948, ClinGen allele CA9957533.

ClinVar aggregate classification (germline): Conflicting classifications of pathogenicity. Review status: criteria provided, conflicting classifications (1 of 4 stars). 4 submissions from 4 submitters: Uncertain significance (3); Likely benign (1). Last evaluated 2023-05-16.

Conditions:
Familial sleep-related hypermotor epilepsy. Also called: Autosomal Dominant Sleep-Related Hypermotor (Hyperkinetic) Epilepsy. Identifiers: Orphanet 98784, MedGen C3696898, MONDO:0000030.
Autosomal dominant nocturnal frontal lobe epilepsy 1. Also called: CHRNA4-Related Nocturnal Frontal Lobe Epilepsy, Autosomal Dominant; EPILEPSY, NOCTURNAL FRONTAL LOBE, TYPE 1. Identifiers: Orphanet 98784, MedGen C1838049, MONDO:0010899, OMIM 600513.

Allele frequency attached by ClinVar (database versions not stated): gnomAD 0.00001; TOPMed 0.00001.

Submissions (4):

Labcorp Genetics (formerly Invitae), Labcorp
Classification: Likely benign. Last evaluated: 2023-05-16. Review status: criteria provided, single submitter. Criteria: Invitae Variant Classification Sherloc (09022015). Collection method: clinical testing. Allele origin: germline.

New York Genome Center
Classification: Uncertain significance for Autosomal dominant nocturnal frontal lobe epilepsy 1. Last evaluated: 2020-09-23. Review status: criteria provided, single submitter. Criteria: NYGC Assertion Criteria 2020. Collection method: clinical testing. Allele origin: inherited. Observed: 1 heterozygote. Study: CSER-NYCKidSeq.
Comment: This variant is found with low frequency in gnomAD(v3.0) (1 heterozygote, 0 homozygotes; allele frequency: 6.57e-6), suggesting it is not a common benign variant in the populations represented in that database. In silico algorithms do not agree on the effect of this variant, as it is predicted both Tolerated (SIFT; score:0.269) and Pathogenic (REVEL; score:0.652) to the function of the canonical transcript. This variant is absent from ClinVar and to our current knowledge has not been reported in an individual with seizures in the literature. The p.Glu581 residue is not within a mapped domain of CHRNA4 (UniProtKB:P43681). Given the lack of compelling evidence for its pathogenicity, the inherited c.1741G>A (p.Glu581Lys) variant identified in the CHRNA4 gene is reported as a Variant of Uncertain Significance.

GeneDx
Classification: Uncertain significance. Last evaluated: 2019-10-14. Review status: criteria provided, single submitter. Criteria: GeneDx Variant Classification Process June 2021. Collection method: clinical testing. Allele origin: germline. Affected: yes.
Comment: In silico analysis, which includes protein predictors and evolutionary conservation, supports that this variant does not alter protein structure/function; Has not been previously published as pathogenic or benign to our knowledge; This variant is associated with the following publications: (PMID: 22873564)

Baylor Genetics
Classification: Uncertain significance for Autosomal dominant nocturnal frontal lobe epilepsy 1. Last evaluated: 2018-10-12. Review status: criteria provided, single submitter. Criteria: ACMG Guidelines, 2015. Collection method: clinical testing. Allele origin: unknown. Affected: yes.
Comment: This variant was determined to be of uncertain significance according to ACMG Guidelines, 2015 [PMID:25741868].